The following is an entry in ClinVar:

NM_000138.5(FBN1):c.3419G>A (p.Cys1140Tyr)

Gene: FBN1 (fibrillin 1; minus strand). Cytogenetic location: 15q21.1.
Variant type: single nucleotide variant.
Coding change: c.3419G>A on transcript NM_000138.5 (MANE Select); coding-DNA position 3419, G replaced by A.
Protein change: p.Cys1140Tyr; replaces cysteine 1140 with tyrosine.
Molecular consequence: missense variant.
Genome position (GRCh38, 1-based): chr15:48,487,356, C>T on the plus strand (G>A on the coding strand, the complement: FBN1 is on the minus strand). VCF-style: chr15-48487356-C-T. GRCh37 (hg19) VCF-style: chr15-48779553-C-T.
Other names: short protein forms C1140Y.
Identifiers: ClinVar variation 406347 (VCV000406347.9), dbSNP rs1060501075, ClinGen allele CA16614520.

ClinVar aggregate classification (germline): Likely pathogenic (1 of 4 stars; one submission).

Conditions:
Marfan syndrome (MFS). Also called: Marfan syndrome, classic; Marfan syndrome type 1; Marfan's syndrome; MARFAN SYNDROME, TYPE I; FBN1-Related Marfan Syndrome. Identifiers: Orphanet 284963, Orphanet 558, MedGen C0024796, MONDO:0007947, OMIM 154700.
Familial thoracic aortic aneurysm and aortic dissection (TAAD). Also called: Thoracic aortic aneurysms and dissections. Identifiers: Orphanet 91387, MedGen C4707243, MONDO:0019625.

Submission:

Labcorp Genetics (formerly Invitae), Labcorp
Classification: Likely pathogenic for Marfan syndrome; Familial thoracic aortic aneurysm and aortic dissection. Last evaluated: 2016-09-30. Review status: criteria provided, single submitter. Criteria: Invitae Variant Classification Sherloc (09022015). Collection method: clinical testing. Allele origin: germline.
Comment: This sequence change replaces cysteine with tyrosine at codon 1140 of the FBN1 protein (p.Cys1140Tyr). The cysteine residue is highly conserved and there is a large physicochemical difference between cysteine and tyrosine. This variant was reported in an individual affected with Marfan's syndrome (PMID: 21135753). This variant is not present in population databases (ExAC no frequency) . In summary, this variant is a previously reported missense change affecting a residue crucial for protein stability and function. Although additional genetic data will be necessary to further confirm pathogenicity for this variant, cysteine substitutions located in FBN1 EGF domains are likely deleterious. For these reasons, this variant has been classified as Likely Pathogenic. This variant affects a cysteine residue located within an epidermal-growth-factor (EGF)–like domain of the FBN1 protein. Cysteine residues in these domains have been shown to be involved in the formation of disulfide bridges, which are critical for FBN1 protein structure and stability (PMID: 10486319, 3495735, 4750422, 16677079). In addition, missense substitutions within the FBN1 EGF-like domains affecting cysteine residues are significantly overrepresented among patients with Marfan syndrome (PMID: 16571647, 17701892).

Literature cited by the submitters: PubMed 21135753; PubMed 10486319; PubMed 3495735; PubMed 4750422; PubMed 16677079; PubMed 16571647; PubMed 17701892.